The following is an entry in ClinVar:

NM_005045.4(RELN):c.1231C>A (p.Leu411Ile)

Gene: RELN (reelin; minus strand). Cytogenetic location: 7q22.1.
Variant type: single nucleotide variant.
Coding change: c.1231C>A on transcript NM_005045.4 (MANE Select); coding-DNA position 1231, C replaced by A.
Protein change: p.Leu411Ile; replaces leucine 411 with isoleucine.
Molecular consequence: missense variant.
Genome position (GRCh38, 1-based): chr7:103,682,174, G>T on the plus strand (C>A on the coding strand, the complement: RELN is on the minus strand). VCF-style: chr7-103682174-G-T. GRCh37 (hg19) VCF-style: chr7-103322621-G-T.
Other names: c.1231C>A, p.Leu411Ile (NM_173054.3); short protein forms L411I.
Identifiers: ClinVar variation 235530 (VCV000235530.62), dbSNP rs144978163, ClinGen allele CA4422325.
Genomic context (GRCh38, chr7:103,682,174, plus strand): 5'-ACCCTGTAGGCTGGCTCTCAAATTCTTCTGACCATTGCTCTTGAATATCTTCTGTGGAAA[G>T]ATCTACATCCCTGGTGGTGGCAAAATTGAACTCGCTGCCTTCATTTCCATGGAAATAAAT-3'
Protein context (NP_005036.2, residues 401-421): FNFATTRDVD[Leu411Ile]STEDIQEQWS

ClinVar aggregate classification (germline): Conflicting classifications of pathogenicity. Review status: criteria provided, conflicting classifications (1 of 4 stars). 9 submissions from 9 submitters: Uncertain significance (8); Likely benign (1). Last evaluated 2026-01-05.

Conditions:
Norman-Roberts syndrome (LIS2). Also called: Lissencephaly 2 (Norman-Roberts type). Identifiers: Orphanet 89844, MedGen C0796089, MONDO:0009760, OMIM 257320.
Familial temporal lobe epilepsy 7. Identifiers: Orphanet 101046, MedGen C4225327, MONDO:0014639, OMIM 616436.
Epilepsy, familial temporal lobe, 1. Identifiers: Orphanet 101046, MedGen CN030884, MONDO:0700090, OMIM 600512.
Inborn genetic diseases. Identifiers: MedGen C0950123, MeSH D030342.

Allele frequency attached by ClinVar (database versions not stated): ESP Exome Variant Server 0.00008; 1000 Genomes Project 30x 0.00016; ExAC 0.00017; TOPMed 0.00019; 1000 Genomes Project 0.00020; gnomAD exomes 0.00020; gnomAD 0.00021.
gnomAD v4.1: 541 of 1,613,972 alleles (0.034%); highest among the groups gnomAD compares: Non-Finnish European, 0.044%; 1 homozygote.

Submissions (9):

Labcorp Genetics (formerly Invitae), Labcorp
Classification: Likely benign for Familial temporal lobe epilepsy 7; Norman-Roberts syndrome. Last evaluated: 2026-01-05. Review status: criteria provided, single submitter. Criteria: Invitae Variant Classification Sherloc (09022015). Collection method: clinical testing. Allele origin: germline.

Women's Health and Genetics/Laboratory Corporation of America, LabCorp
Classification: Uncertain significance. Last evaluated: 2024-09-10. Review status: criteria provided, single submitter. Criteria: LabCorp Variant Classification Summary - May 2015. Collection method: clinical testing. Allele origin: germline.
Comment: Variant summary: RELN c.1231C>A (p.Leu411Ile) results in a conservative amino acid change in the encoded protein sequence. Three of five in-silico tools predict a benign effect of the variant on protein function. The variant allele was found at a frequency of 0.0002 in 250822 control chromosomes (gnomAD). This frequency is not significantly higher than estimated for a pathogenic variant in RELN causing Epilepsy Familial Temporal Lobe 7, allowing no conclusion about variant significance. c.1231C>A has been reported in the literature in individuals affected with an epilepsy disorder or Myoclonus-dystonia without strong evidence of causality (e.g. Della Mina_2015, Groen_2015). These reports do not provide unequivocal conclusions about association of the variant with Epilepsy Familial Temporal Lobe 7. To our knowledge, no experimental evidence demonstrating an impact on protein function has been reported. ClinVar contains an entry for this variant (Variation ID: 235530). Based on the evidence outlined above, the variant was classified as uncertain significance.

Ambry Genetics
Classification: Uncertain significance for Inborn genetic diseases. Last evaluated: 2022-04-18. Review status: criteria provided, single submitter. Criteria: Ambry Variant Classification Scheme 2023. Collection method: clinical testing. Allele origin: germline.
Comment: Unlikely to be causative of RELN-related lateral temporal epilepsy (AD) Based on insufficient or conflicting evidence, the clinical significance of this alteration remains unclear.

Institute for Clinical Genetics, University Hospital TU Dresden, University Hospital TU Dresden
Classification: Uncertain significance. Last evaluated: 2021-11-03. Review status: criteria provided, single submitter. Criteria: ACMG Guidelines, 2015. Collection method: clinical testing. Allele origin: germline.

Fulgent Genetics
Classification: Uncertain significance for Norman-Roberts syndrome; Epilepsy, familial temporal lobe, 1; Familial temporal lobe epilepsy 7. Last evaluated: 2021-10-25. Review status: criteria provided, single submitter. Criteria: ACMG Guidelines, 2015. Collection method: clinical testing. Allele origin: unknown.

Department of Pathology and Laboratory Medicine, Sinai Health System
Classification: Uncertain significance for Norman-Roberts syndrome; Epilepsy, familial temporal lobe, 1; Familial temporal lobe epilepsy 7. Last evaluated: 2021-08-12. Review status: criteria provided, single submitter. Criteria: ACMG Guidelines, 2015. Collection method: research. Allele origin: germline.

CeGaT Center for Human Genetics Tuebingen
Classification: Uncertain significance. Last evaluated: 2019-05-01. Review status: criteria provided, single submitter. Criteria: CeGaT Center For Human Genetics Tuebingen Variant Classification Criteria Version 2. Collection method: clinical testing. Allele origin: germline. Affected: yes. Observed: 1 variant allele.

Illumina Laboratory Services, Illumina
Classification: Uncertain significance for Norman-Roberts syndrome. Last evaluated: 2017-04-27. Review status: criteria provided, single submitter. Criteria: ICSL Variant Classification Criteria 13 December 2019. Collection method: clinical testing. Allele origin: germline.
Comment: This variant was observed as part of a predisposition screen in an ostensibly healthy population. A literature search was performed for the gene, cDNA change, and amino acid change (where applicable). Publications were found based on this search. However, the evidence from the literature, in combination with allele frequency data from public databases where available, was not sufficient to rule this variant in or out of causing disease. Therefore, this variant is classified as a variant of unknown significance.

Center for Pediatric Genomic Medicine, Children's Mercy Hospital and Clinics
Classification: Uncertain significance. Last evaluated: 2016-04-29. Review status: criteria provided, single submitter. Criteria: ACMG Guidelines, 2015. Collection method: clinical testing. Allele origin: germline.
ClinVar note: Converted during submission from Uncertain Significance to Uncertain significance.

Literature cited by the submitters: PubMed 24848745 (cited by Women's Health and Genetics/Laboratory Corporation of America, LabCorp and Ambry Genetics); PubMed 25648840 (cited by 3 submitters).